The following is an entry in ClinVar:

NM_001083619.3(GRIA2):c.2012dup (p.Leu671fs)

Gene: GRIA2 (glutamate ionotropic receptor AMPA type subunit 2; plus strand). Cytogenetic location: 4q32.1.
Variant type: Duplication.
Coding change: c.2012dup on transcript NM_001083619.3 (MANE Select); coding-DNA position 2012, one base duplicated (T; older notation c.2012dupT).
Protein change: p.Leu671fs; shifts the reading frame from leucine 671.
Molecular consequence: frameshift variant.
Genome position (GRCh38, 1-based): chr4:157,341,431, T duplicated; the last of 2 consecutive T bases (chr4:157,341,430-157,341,431); duplicating either gives the same sequence. VCF-style (leftmost placement, unchanged base first): chr4-157341429-A-AT. GRCh37 (hg19) VCF-style: chr4-158262581-A-AT.
Other names: c.2012dup, p.Leu671fs (NM_000826.6); c.1871dup, p.Leu624fs (NM_001083620.3, NM_001379000.3, NM_001379001.3); short protein forms L624fs, L671fs.
Identifiers: ClinVar variation 3903361 (VCV003903361.1).

ClinVar aggregate classification (germline): Pathogenic (1 of 4 stars; one submission).

Submission:

GeneDx
Classification: Pathogenic. Last evaluated: 2024-12-09. Review status: criteria provided, single submitter. Criteria: GeneDx Variant Classification Process June 2021. Collection method: clinical testing. Allele origin: germline. Affected: yes.
Comment: Frameshift variant predicted to result in protein truncation or nonsense mediated decay in a gene for which loss of function is a known mechanism of disease; Not observed at significant frequency in large population cohorts (gnomAD); Has not been previously published as pathogenic or benign to our knowledge